The following is an entry in ClinVar:

ClinVar aggregate classification (germline): Uncertain significance (1 of 4 stars; one submission).

Conditions:
Epileptic encephalopathy. Identifiers: MedGen C0543888, HP:0200134.

Allele frequency attached by ClinVar (database versions not stated): gnomAD exomes below 0.00001; gnomAD 0.00003 and 0.00004; TOPMed 0.00005.
gnomAD v4.1: 7 of 1,607,622 alleles (0.00044%); highest among the groups gnomAD compares: African/African-American, 0.0094%; no homozygotes.

Submission:

Labcorp Genetics (formerly Invitae), Labcorp
Classification: Uncertain significance for Epileptic encephalopathy. Last evaluated: 2022-07-12. Review status: criteria provided, single submitter. Criteria: Invitae Variant Classification Sherloc (09022015). Collection method: clinical testing. Allele origin: germline.
Comment: In summary, the available evidence is currently insufficient to determine the role of this variant in disease. Therefore, it has been classified as a Variant of Uncertain Significance. Algorithms developed to predict the effect of missense changes on protein structure and function output the following: SIFT: "Tolerated"; PolyPhen-2: "Benign"; Align-GVGD: "Class C0". The asparagine amino acid residue is found in multiple mammalian species, which suggests that this missense change does not adversely affect protein function. ClinVar contains an entry for this variant (Variation ID: 1406024). This variant has not been reported in the literature in individuals affected with FASN-related conditions. This variant is not present in population databases (gnomAD no frequency). This sequence change replaces serine, which is neutral and polar, with asparagine, which is neutral and polar, at codon 1597 of the FASN protein (p.Ser1597Asn).

NM_004104.5(FASN):c.4790G>A (p.Ser1597Asn)

Gene: FASN (fatty acid synthase; minus strand). Cytogenetic location: 17q25.3.
Variant type: single nucleotide variant.
Coding change: c.4790G>A on transcript NM_004104.5 (MANE Select); coding-DNA position 4790, G replaced by A.
Protein change: p.Ser1597Asn; replaces serine 1597 with asparagine.
Molecular consequence: missense variant.
Genome position (GRCh38, 1-based): chr17:82,084,363, C>T on the plus strand (G>A on the coding strand, the complement: FASN is on the minus strand). VCF-style: chr17-82084363-C-T. GRCh37 (hg19) VCF-style: chr17-80042239-C-T.
Other names: short protein forms S1597N.
Identifiers: ClinVar variation 1406024 (VCV001406024.8), dbSNP rs942531782, ClinGen allele CA295129119.
Genomic context (GRCh38, chr17:82,084,363, plus strand): 5'-ACCAGTCCCATCACACGCTTGCCGCTGGCGTCTCGGCCCGAGAACTCCATACCTAGCAGG[C>T]TGTCCTGGGAGGTCCACTTCCCTGGGGGAGACGGCACTGAGCCCCTCACCGCCTGCCCTT-3'
Protein context (NP_004095.4, residues 1587-1607): AIPGKWTSQD[Ser1597Asn]LLGMEFSGRD